The following is an entry in ClinVar:

NM_133267.3(GSX2):c.135G>A (p.Val45=)

Gene: GSX2 (GS homeobox 2; plus strand). Cytogenetic location: 4q12.
Variant type: single nucleotide variant.
Coding change: c.135G>A on transcript NM_133267.3 (MANE Select); coding-DNA position 135, G replaced by A.
Protein change: p.Val45=; no amino-acid change (valine 45 retained).
Molecular consequence: synonymous variant.
Genome position (GRCh38, 1-based): chr4:54,100,479, G>A. VCF-style: chr4-54100479-G-A. GRCh37 (hg19) VCF-style: chr4-54966646-G-A.
Identifiers: ClinVar variation 2654758 (VCV002654758.24), dbSNP rs1429479911, ClinGen allele CA439412415.
Genomic context (GRCh38, chr4:54,100,479, plus strand): 5'-GCACCCCGGGCCGGATTTCTTCATCCCGCTTGGCATGCCGCCCCCATTGGTGATGTCCGT[G>A]TCCGGCCCCGGCTGCCCGTCCCGCAAGAGCGGCGCGTTCTGCGTGTGCCCTCTCTGCGTC-3'
Protein context (NP_573574.2, residues 35-55): LGMPPPLVMS[Val45=]SGPGCPSRKS

ClinVar aggregate classification (germline): Likely benign (1 of 4 stars; one submission).

gnomAD v4.1: 2 of 1,613,778 alleles (0.00012%); highest among the groups gnomAD compares: Non-Finnish European, 0.00017%; no homozygotes.

Submission:

CeGaT Center for Human Genetics Tuebingen
Classification: Likely benign. Last evaluated: 2022-05-01. Review status: criteria provided, single submitter. Criteria: CeGaT Center For Human Genetics Tuebingen Variant Classification Criteria Version 2. Collection method: clinical testing. Allele origin: germline. Affected: yes. Observed: 1 variant allele.
Comment: GSX2: PM2:Supporting, BP4, BP7